The following is an entry in ClinVar:

NM_000434.4(NEU1):c.863A>G (p.His288Arg)

Gene: NEU1 (neuraminidase 1; minus strand). Cytogenetic location: 6p21.33.
Variant type: single nucleotide variant.
Coding change: c.863A>G on transcript NM_000434.4 (MANE Select); coding-DNA position 863, A replaced by G.
Protein change: p.His288Arg; replaces histidine 288 with arginine.
Molecular consequence: missense variant.
Genome position (GRCh38, 1-based): chr6:31,860,200, T>C on the plus strand (A>G on the coding strand, the complement: NEU1 is on the minus strand). VCF-style: chr6-31860200-T-C. GRCh37 (hg19) VCF-style: chr6-31827977-T-C.
Other names: short protein forms H288R.
Identifiers: ClinVar variation 967452 (VCV000967452.7), dbSNP rs1363689167, ClinGen allele CA363490431.

ClinVar aggregate classification (germline): Uncertain significance (1 of 4 stars; one submission).

Allele frequency attached by ClinVar (database versions not stated): gnomAD exomes below 0.00001 and 0.00001.

Submission:

Labcorp Genetics (formerly Invitae), Labcorp
Classification: Uncertain significance. Last evaluated: 2021-08-24. Review status: criteria provided, single submitter. Criteria: Invitae Variant Classification Sherloc (09022015). Collection method: clinical testing. Allele origin: germline.
Comment: This sequence change replaces histidine with arginine at codon 288 of the NEU1 protein (p.His288Arg). The histidine residue is moderately conserved and there is a small physicochemical difference between histidine and arginine. This variant is not present in population databases (ExAC no frequency). This variant has not been reported in the literature in individuals affected with NEU1-related conditions. Algorithms developed to predict the effect of missense changes on protein structure and function output the following: SIFT: "Tolerated"; PolyPhen-2: "Benign"; Align-GVGD: "Class C0". The arginine amino acid residue is found in multiple mammalian species, which suggests that this missense change does not adversely affect protein function. In summary, the available evidence is currently insufficient to determine the role of this variant in disease. Therefore, it has been classified as a Variant of Uncertain Significance.